The following is an entry in ClinVar:

ClinVar aggregate classification (germline): Uncertain significance. Review status: criteria provided, multiple submitters, no conflicts (2 of 4 stars). 2 submissions from 2 submitters: Uncertain significance (2). Last evaluated 2022-06-25.

Allele frequency attached by ClinVar (database versions not stated): gnomAD 0.00001; TOPMed 0.00003; ExAC 0.00006; gnomAD exomes 0.00006.
gnomAD v4.1: 68 of 1,608,628 alleles (0.0042%); highest among the groups gnomAD compares: Admixed American, 0.015%; no homozygotes.

Submissions (2):

Labcorp Genetics (formerly Invitae), Labcorp
Classification: Uncertain significance. Last evaluated: 2022-06-25. Review status: criteria provided, single submitter. Criteria: Invitae Variant Classification Sherloc (09022015). Collection method: clinical testing. Allele origin: germline.
Comment: This sequence change replaces alanine, which is neutral and non-polar, with valine, which is neutral and non-polar, at codon 3226 of the VPS13C protein (p.Ala3226Val). This variant is present in population databases (rs763452528, gnomAD 0.03%). This variant has not been reported in the literature in individuals affected with VPS13C-related conditions. ClinVar contains an entry for this variant (Variation ID: 1193659). Algorithms developed to predict the effect of missense changes on protein structure and function (SIFT, PolyPhen-2, Align-GVGD) all suggest that this variant is likely to be tolerated. In summary, the available evidence is currently insufficient to determine the role of this variant in disease. Therefore, it has been classified as a Variant of Uncertain Significance.

GeneDx
Classification: Uncertain significance. Last evaluated: 2019-10-21. Review status: criteria provided, single submitter. Criteria: GeneDx Variant Classification Process June 2021. Collection method: clinical testing. Allele origin: germline. Affected: yes.
Comment: In silico analysis, which includes protein predictors and evolutionary conservation, supports that this variant does not alter protein structure/function; Has not been previously published as pathogenic or benign to our knowledge

NM_020821.3(VPS13C):c.9677C>T (p.Ala3226Val)

Gene: VPS13C (vacuolar protein sorting 13 homolog C; minus strand). Cytogenetic location: 15q22.2.
Variant type: single nucleotide variant.
Coding change: c.9677C>T on transcript NM_020821.3 (MANE Select); coding-DNA position 9677, C replaced by T.
Protein change: p.Ala3226Val; replaces alanine 3226 with valine.
Molecular consequence: missense variant.
Genome position (GRCh38, 1-based): chr15:61,881,776, G>A on the plus strand (C>T on the coding strand, the complement: VPS13C is on the minus strand). VCF-style: chr15-61881776-G-A. GRCh37 (hg19) VCF-style: chr15-62173975-G-A.
Other names: c.9677C>T, p.Ala3226Val (NM_001018088.3); c.9548C>T, p.Ala3183Val (NM_017684.5, NM_018080.4); short protein forms A3183V, A3226V.
Identifiers: ClinVar variation 1193659 (VCV001193659.5), dbSNP rs763452528, ClinGen allele CA7594576.
Genomic context (GRCh38, chr15:61,881,776, plus strand): 5'-TATATCTATGTCACAACTTATTTTATTTTACCTGAATCTAAAGCAATAGATTTTGGAGGG[G>A]CAACAGGATGAAATACAACAGGGAACATTGCACCTGGTAACTGATTATCAACCTGAAAGA-3'
Protein context (NP_065872.1, residues 3216-3236): AMFPVVFHPV[Ala3226Val]PPKSIALDSE